The following is an entry in ClinVar:

NM_030653.4(DDX11):c.700C>T (p.Arg234Trp)

Gene: DDX11 (DEAD/H-box helicase 11; plus strand). Cytogenetic location: 12p11.21.
Variant type: single nucleotide variant.
Coding change: c.700C>T on transcript NM_030653.4 (MANE Select); coding-DNA position 700, C replaced by T.
Protein change: p.Arg234Trp; replaces arginine 234 with tryptophan.
Molecular consequence: missense variant.
Genome position (GRCh38, 1-based): chr12:31,089,059, C>T. VCF-style: chr12-31089059-C-T. GRCh37 (hg19) VCF-style: chr12-31241993-C-T.
Other names: c.700C>T, p.Arg234Trp (NM_001257144.2, NM_001413692.1, NM_001413693.1 and 5 more transcripts); c.622C>T, p.Arg208Trp (NM_001257145.2, NM_001413697.1, NM_001413698.1 and 1 more transcripts); c.613C>T, p.Arg205Trp (NM_001413700.1); c.172C>T, p.Arg58Trp (NM_001413702.1, NM_001413703.1); c.-162C>T (NM_001413704.1, NM_001413705.1); c.-179C>T (NM_001413706.1); short protein forms R58W, R205W, R208W, R234W.
Identifiers: ClinVar variation 2224699 (VCV002224699.2), dbSNP rs750666619, ClinGen allele CA6500903.

ClinVar aggregate classification (germline): Uncertain significance (1 of 4 stars; one submission).

Conditions:
Inborn genetic diseases. Identifiers: MedGen C0950123, MeSH D030342.

Allele frequency attached by ClinVar (database versions not stated): ExAC 0.00002.
gnomAD v4.1: 20 of 1,613,728 alleles (0.0012%); highest among the groups gnomAD compares: African/African-American, 0.0013%; no homozygotes.

Submission:

Ambry Genetics
Classification: Uncertain significance for Inborn genetic diseases. Last evaluated: 2020-12-30. Review status: criteria provided, single submitter. Criteria: Ambry Variant Classification Scheme 2023. Collection method: clinical testing. Allele origin: germline.
Comment: The c.700C>T (p.R234W) alteration is located in exon 7 (coding exon 6) of the DDX11 gene. This alteration results from a C to T substitution at nucleotide position 700, causing the arginine (R) at amino acid position 234 to be replaced by a tryptophan (W). Based on data from the Genome Aggregation Database (gnomAD) database, the DDX11 c.700C>T alteration was observed in 0.0008% (2/251,180) of total alleles studied, with a frequency of 0.02% (2/10,080) in the Ashkenazi Jewish subpopulation. The p.R234 amino acid is conserved in available vertebrate species. The in silico prediction for the p.R234W alteration is inconclusive. Based on insufficient or conflicting evidence, the clinical significance of this alteration remains unclear.